The following is an entry in ClinVar:

NM_145698.5(ACBD5):c.480T>C (p.Asp160=)

Gene: ACBD5 (acyl-CoA binding domain containing 5; minus strand). Cytogenetic location: 10p12.1.
Variant type: single nucleotide variant.
Coding change: c.480T>C on transcript NM_145698.5 (MANE Select); coding-DNA position 480, T replaced by C.
Protein change: p.Asp160=; no amino-acid change (aspartic acid 160 retained).
Molecular consequence: synonymous variant.
Genome position (GRCh38, 1-based): chr10:27,223,348, A>G on the plus strand (T>C on the coding strand, the complement: ACBD5 is on the minus strand). VCF-style: chr10-27223348-A-G. GRCh37 (hg19) VCF-style: chr10-27512277-A-G.
Other names: c.375T>C, p.Asp125= (NM_001042473.4, NM_001352574.2, NM_001352575.2 and 6 more transcripts); c.474T>C, p.Asp158= (NM_001271512.3, NM_001352571.1, NM_001352586.1 and 1 more transcripts); c.153T>C, p.Asp51= (NM_001301251.2, NM_001301252.2, NM_001301253.2 and 4 more transcripts); c.501T>C, p.Asp167= (NM_001352568.1, NM_001352572.1); c.480T>C, p.Asp160= (NM_001352569.1, NM_001352570.1, NM_001352573.1 and 2 more transcripts).
Identifiers: ClinVar variation 1084624 (VCV001084624.31), dbSNP rs758753288, ClinGen allele CA5450943.
Genomic context (GRCh38, chr10:27,223,348, plus strand): 5'-GTGCATAATATATCAGTTGATGAATTTAAAAATAGGTAAAATAGTCCAACCTGAGGTTAT[A>G]TCAGAACTCCTGCCACTCTTTTTGTCCTCGACAATTTCATAAAATGGACCTATGACACGC-3'
Protein context (NP_663736.2, residues 150-170): VEDKKSGRSS[Asp160=]ITSDLGNVLT

ClinVar aggregate classification (germline): Likely benign. Review status: criteria provided, multiple submitters, no conflicts (2 of 4 stars). 2 submissions from 2 submitters: Likely benign (2). Last evaluated 2025-05-06.

Allele frequency attached by ClinVar (database versions not stated): TOPMed below 0.00001; ExAC 0.00001; gnomAD 0.00001; gnomAD exomes 0.00001.
gnomAD v4.1: 19 of 1,612,384 alleles (0.0012%); highest among the groups gnomAD compares: Non-Finnish European, 0.0015%; no homozygotes.

Submissions (2):

Labcorp Genetics (formerly Invitae), Labcorp
Classification: Likely benign. Last evaluated: 2025-05-06. Review status: criteria provided, single submitter. Criteria: Invitae Variant Classification Sherloc (09022015). Collection method: clinical testing. Allele origin: germline.

CeGaT Center for Human Genetics Tuebingen
Classification: Likely benign. Last evaluated: 2024-01-01. Review status: criteria provided, single submitter. Criteria: CeGaT Center For Human Genetics Tuebingen Variant Classification Criteria Version 2. Collection method: clinical testing. Allele origin: germline. Affected: yes. Observed: 1 variant allele.
Comment: ACBD5: BP4, BP7